The following is an entry in ClinVar:

NM_201384.3(PLEC):c.13182C>T (p.Thr4394=)

Gene: PLEC (plectin; minus strand). Cytogenetic location: 8q24.3.
Variant type: single nucleotide variant.
Coding change: c.13182C>T on transcript NM_201384.3 (MANE Select); coding-DNA position 13182, C replaced by T.
Protein change: p.Thr4394=; no amino-acid change (threonine 4394 retained).
Molecular consequence: synonymous variant.
Genome position (GRCh38, 1-based): chr8:143,916,639, G>A on the plus strand (C>T on the coding strand, the complement: PLEC is on the minus strand). VCF-style: chr8-143916639-G-A. GRCh37 (hg19) VCF-style: chr8-144990807-G-A.
Other names: c.13263C>T, p.Thr4421= (NM_000445.5); c.13140C>T, p.Thr4380= (NM_201378.4); c.13116C>T, p.Thr4372= (NM_201379.3); c.13593C>T, p.Thr4531= (NM_201380.4); c.13086C>T, p.Thr4362= (NM_201381.3); c.13182C>T, p.Thr4394= (NM_201382.4); c.13194C>T, p.Thr4398= (NM_201383.3).
Identifiers: ClinVar variation 281356 (VCV000281356.41), dbSNP rs373958891, ClinGen allele CA4923893.

ClinVar aggregate classification (germline): Conflicting classifications of pathogenicity. Review status: criteria provided, conflicting classifications (1 of 4 stars). 7 submissions from 7 submitters: Uncertain significance (2); Likely benign (4). 1 of the submissions does not count toward it. Last evaluated 2026-03-01.

Conditions:
Epidermolysis bullosa simplex, Ogna type (EBS5A). Also called: Pidermolysis bullosa simplex 5A, Ogna type; EPIDERMOLYSIS BULLOSA SIMPLEX 5A, OGNA TYPE. Identifiers: Orphanet 79401, MedGen C0432317, MONDO:0007555, OMIM 131950.
Epidermolysis bullosa simplex with nail dystrophy (EBS5D). Identifiers: MedGen C4225309, MONDO:0014661, OMIM 616487.
Autosomal recessive limb-girdle muscular dystrophy type 2Q (LGMDR17). Also called: MUSCULAR DYSTROPHY, LIMB-GIRDLE, AUTOSOMAL RECESSIVE 17. Identifiers: Orphanet 254361, MedGen C3150989, MONDO:0013390, OMIM 613723.
Epidermolysis bullosa simplex 5C, with pyloric atresia (EBS5C). Also called: Epidermolysis bullosa simplex with pyloric atresia; PLEC1-Related Epidermolysis Bullosa with Pyloric Atresia; PLEC-Related Epidermolysis Bullosa with Pyloric Atresia. Identifiers: Orphanet 158684, MedGen C2677349, MONDO:0012807, OMIM 612138.
Epidermolysis bullosa simplex 5B, with muscular dystrophy (EBS5B). Also called: Epidermolysis bullosa simplex with muscular dystrophy; EPIDERMOLYSIS BULLOSA SIMPLEX AND LIMB-GIRDLE MUSCULAR DYSTROPHY. Identifiers: Orphanet 257, MedGen C2931072, MONDO:0009181, OMIM 226670.
PLEC-related disorder. Also called: PLEC-related disorders; PLEC-related condition.

Allele frequency attached by ClinVar (database versions not stated): gnomAD exomes 0.00014 and 0.00043; 1000 Genomes Project 30x 0.00016; ExAC 0.00016; 1000 Genomes Project 0.00020; ESP Exome Variant Server 0.00049; gnomAD 0.00049; TOPMed 0.00050.
gnomAD v4.1: 695 of 1,610,596 alleles (0.043%); highest among the groups gnomAD compares: African/African-American, 0.13%; no homozygotes.

Submissions (7):

CeGaT Center for Human Genetics Tuebingen
Classification: Likely benign. Last evaluated: 2026-03-01. Review status: criteria provided, single submitter. Criteria: CeGaT Center For Human Genetics Tuebingen Variant Classification Criteria Version 2. Collection method: clinical testing. Allele origin: germline. Affected: yes. Observed: 2 variant alleles.
Comment: PLEC: BP4, BP7

Women's Health and Genetics/Laboratory Corporation of America, LabCorp
Classification: Likely benign. Last evaluated: 2026-02-09. Review status: criteria provided, single submitter. Criteria: LabCorp Variant Classification Summary - May 2015. Collection method: clinical testing. Allele origin: germline.

Labcorp Genetics (formerly Invitae), Labcorp
Classification: Likely benign for Autosomal recessive limb-girdle muscular dystrophy type 2Q; Epidermolysis bullosa simplex, Ogna type; Epidermolysis bullosa simplex with nail dystrophy; Epidermolysis bullosa simplex 5C, with pyloric atresia; Epidermolysis bullosa simplex 5B, with muscular dystrophy. Last evaluated: 2026-02-01. Review status: criteria provided, single submitter. Criteria: Invitae Variant Classification Sherloc (09022015). Collection method: clinical testing. Allele origin: germline.

Blueprint Genetics
Classification: Likely benign. Last evaluated: 2023-12-12. Review status: criteria provided, single submitter. Criteria: ACMG Guidelines, 2015. Collection method: clinical testing. Allele origin: germline.

Revvity Omics, Revvity
Classification: Uncertain significance. Last evaluated: 2023-04-18. Review status: criteria provided, single submitter. Criteria: ACMG Guidelines, 2015. Collection method: clinical testing. Allele origin: germline.

Eurofins Ntd Llc (ga)
Classification: Uncertain significance. Last evaluated: 2017-01-05. Review status: criteria provided, single submitter. Criteria: EGL Classification Definitions. Collection method: clinical testing. Allele origin: germline. Observed: 5 variant alleles, 5 heterozygotes.

PreventionGenetics, part of Exact Sciences
Classification: Likely benign for PLEC-related condition. Last evaluated: 2021-04-14. Review status: no assertion criteria provided. Collection method: clinical testing. Allele origin: germline. Not counted in ClinVar's aggregate classification.
Comment: This variant is classified as likely benign based on ACMG/AMP sequence variant interpretation guidelines (Richards et al. 2015 PMID: 25741868, with internal and published modifications).